The following is an entry in ClinVar:

NM_144999.4(LRRC45):c.727G>A (p.Val243Ile)

Gene: LRRC45 (leucine rich repeat containing 45; plus strand). Cytogenetic location: 17q25.3.
Variant type: single nucleotide variant.
Coding change: c.727G>A on transcript NM_144999.4 (MANE Select); coding-DNA position 727, G replaced by A.
Protein change: p.Val243Ile; replaces valine 243 with isoleucine.
Molecular consequence: missense variant.
Genome position (GRCh38, 1-based): chr17:82,026,964, G>A. VCF-style: chr17-82026964-G-A. GRCh37 (hg19) VCF-style: chr17-79984840-G-A.
Other names: c.727G>A (NM_144999.3); short protein forms V243I.
Identifiers: ClinVar variation 2395496 (VCV002395496.3), dbSNP rs372389389, ClinGen allele CA8847762.

ClinVar aggregate classification (germline): Uncertain significance. Review status: criteria provided, single submitter (1 of 4 stars). 2 submissions from 2 submitters: Uncertain significance (1). 1 of the submissions does not count toward it. Last evaluated 2021-08-02.

Conditions:
LRRC45-related disorder. Also called: LRRC45-related condition.

Allele frequency attached by ClinVar (database versions not stated): gnomAD 0.00005; ExAC 0.00006; TOPMed 0.00007; gnomAD exomes 0.00008; ESP Exome Variant Server 0.00023.
gnomAD v4.1: 134 of 1,607,690 alleles (0.0083%); highest among the groups gnomAD compares: Non-Finnish European, 0.0094%; no homozygotes.

Submissions (2):

Ambry Genetics
Classification: Uncertain significance. Last evaluated: 2021-08-02. Review status: criteria provided, single submitter. Criteria: Ambry Variant Classification Scheme 2023. Collection method: clinical testing. Allele origin: germline.

PreventionGenetics, part of Exact Sciences
Classification: Uncertain significance for LRRC45-related condition. Last evaluated: 2024-07-25. Review status: no assertion criteria provided. Collection method: clinical testing. Allele origin: germline. Not counted in ClinVar's aggregate classification.
Comment: The LRRC45 c.727G>A variant is predicted to result in the amino acid substitution p.Val243Ile. To our knowledge, this variant has not been reported in the literature. This variant is reported in 0.0081% of alleles in individuals of European (Non-Finnish) descent in gnomAD. At this time, the clinical significance of this variant is uncertain due to the absence of conclusive functional and genetic evidence.